The following is an entry in ClinVar:

ClinVar aggregate classification (germline): Benign (1 of 4 stars; one submission).

Allele frequency attached by ClinVar (database versions not stated): gnomAD exomes 0.00178; gnomAD 0.01701 and 0.01816; TOPMed 0.01908; 1000 Genomes Project 0.01977; 1000 Genomes Project 30x 0.02014.
gnomAD v4.1: 3,809 of 789,596 alleles (0.48%); highest among the groups gnomAD compares: African/African-American, 5.7%; 121 homozygotes.

Submission:

GeneDx
Classification: Benign. Last evaluated: 2018-06-19. Review status: criteria provided, single submitter. Criteria: GeneDx Variant Classification (06012015). Collection method: clinical testing. Allele origin: germline. Affected: yes.
Comment: This variant is considered likely benign or benign based on one or more of the following criteria: it is a conservative change, it occurs at a poorly conserved position in the protein, it is predicted to be benign by multiple in silico algorithms, and/or has population frequency not consistent with disease.

NM_000093.5(COL5A1):c.4698+146G>A

Genes: COL5A1 (collagen type V alpha 1 chain; plus strand), LOC101448202 (uncharacterized LOC101448202; minus strand). Cytogenetic location: 9q34.3.
Variant type: single nucleotide variant.
Coding change: c.4698+146G>A on transcript NM_000093.5 (MANE Select); 146 bases into the intron after coding-DNA position 4698, G replaced by A.
Molecular consequence: intron variant.
Genome position (GRCh38, 1-based): chr9:134,823,615, G>A. VCF-style: chr9-134823615-G-A. GRCh37 (hg19) VCF-style: chr9-137715461-G-A.
Other names: c.4698+146G>A (NM_001278074.1).
Identifiers: ClinVar variation 675736 (VCV000675736.1), dbSNP rs75918373, ClinGen allele CA201099753.